The following is an entry in ClinVar:

ClinVar aggregate classification (germline): Uncertain significance (1 of 4 stars; one submission).

Conditions:
Neurofibromatosis, type 1 (NF1). Also called: Peripheral type neurofibromatosis; VON RECKLINGHAUSEN DISEASE; NEUROFIBROMATOSIS, TYPE I, SOMATIC; Neurofibromatosis, type I. Identifiers: Orphanet 636, MedGen C0027831, MONDO:0018975, OMIM 162200. Disease mechanism: loss of function.

Submission:

Labcorp Genetics (formerly Invitae), Labcorp
Classification: Uncertain significance for Neurofibromatosis, type 1. Last evaluated: 2022-03-07. Review status: criteria provided, single submitter. Criteria: Invitae Variant Classification Sherloc (09022015). Collection method: clinical testing. Allele origin: germline.
Comment: In summary, the available evidence is currently insufficient to determine the role of this variant in disease. Therefore, it has been classified as a Variant of Uncertain Significance. Experimental studies and prediction algorithms are not available or were not evaluated, and the functional significance of this variant is currently unknown. This variant has not been reported in the literature in individuals affected with NF1-related conditions. This variant results in a copy number gain of the genomic region encompassing exon(s) 1-12 of the NF1 gene. This region includes the initiator codon of the gene. This copy number gain extends beyond the assayed region for this gene and therefore may encompass additional genes. As the precise location of this event is unknown, it may be in tandem or it may be located elsewhere in the genome.

NC_000017.10:g.(?_29422055)_(29533409_?)dup

Gene: NF1 (neurofibromin 1; plus strand). Cytogenetic location: 17q11.2.
Variant type: Duplication.
Identifiers: ClinVar variation 2422732 (VCV002422732.4).